The following is an entry in ClinVar:

ClinVar aggregate classification (germline): Uncertain significance (1 of 4 stars; one submission).

Conditions:
Immunodeficiency 104. Also called: Severe Combined Immune Deficiency, Autosomal Recessive, TCell -Negative, B Cell-Positive, NK Cell-Positive, IL7R-Related; Severe combined immunodeficiency, autosomal recessive, T cell-negative, B cell-positive, NK cell-positive; SCID, AUTOSOMAL RECESSIVE, T CELL-NEGATIVE, B CELL-POSITIVE, NK CELL-POSITIVE; IMMUNODEFICIENCY 104, SEVERE COMBINED. Identifiers: MedGen C5676890, MONDO:0012163, OMIM 608971.

Submission:

Labcorp Genetics (formerly Invitae), Labcorp
Classification: Uncertain significance for Immunodeficiency 104. Last evaluated: 2022-06-13. Review status: criteria provided, single submitter. Criteria: Invitae Variant Classification Sherloc (09022015). Collection method: clinical testing. Allele origin: germline.
Comment: In summary, the available evidence is currently insufficient to determine the role of this variant in disease. Therefore, it has been classified as a Variant of Uncertain Significance. Algorithms developed to predict the effect of sequence changes on RNA splicing suggest that this variant may create or strengthen a splice site. Algorithms developed to predict the effect of missense changes on protein structure and function (SIFT, PolyPhen-2, Align-GVGD) all suggest that this variant is likely to be tolerated. This variant has not been reported in the literature in individuals affected with PTPRC-related conditions. This variant is not present in population databases (gnomAD no frequency). This sequence change replaces asparagine, which is neutral and polar, with aspartic acid, which is acidic and polar, at codon 267 of the PTPRC protein (p.Asn267Asp).

NM_002838.5(PTPRC):c.799A>G (p.Asn267Asp)

Gene: PTPRC (protein tyrosine phosphatase receptor type C; plus strand). Cytogenetic location: 1q32.1.
Variant type: single nucleotide variant.
Coding change: c.799A>G on transcript NM_002838.5 (MANE Select); coding-DNA position 799, A replaced by G.
Protein change: p.Asn267Asp; replaces asparagine 267 with aspartic acid.
Molecular consequence: missense variant.
Genome position (GRCh38, 1-based): chr1:198,706,847, A>G. VCF-style: chr1-198706847-A-G. GRCh37 (hg19) VCF-style: chr1-198675976-A-G.
Other names: c.316A>G, p.Asn106Asp (NM_080921.4); short protein forms N106D, N267D.
Identifiers: ClinVar variation 1364538 (VCV001364538.8), dbSNP rs2102411892, ClinGen allele CA344033527.